The following is an entry in ClinVar:

NM_004304.5(ALK):c.2543C>G (p.Ala848Gly)

Gene: ALK (ALK receptor tyrosine kinase; minus strand). Cytogenetic location: 2p23.2.
Variant type: single nucleotide variant.
Coding change: c.2543C>G on transcript NM_004304.5 (MANE Select); coding-DNA position 2543, C replaced by G.
Protein change: p.Ala848Gly; replaces alanine 848 with glycine.
Molecular consequence: missense variant.
Genome position (GRCh38, 1-based): chr2:29,232,393, G>C on the plus strand (C>G on the coding strand, the complement: ALK is on the minus strand). VCF-style: chr2-29232393-G-C. GRCh37 (hg19) VCF-style: chr2-29455259-G-C.
Other names: c.2543C>G (NM_004304.4); short protein forms A848G.
Identifiers: ClinVar variation 2916822 (VCV002916822.4), dbSNP rs1664239038, ClinGen allele CA346471885.

ClinVar aggregate classification (germline): Uncertain significance. Review status: criteria provided, multiple submitters, no conflicts (2 of 4 stars). 2 submissions from 2 submitters: Uncertain significance (2). Last evaluated 2023-12-04.

Conditions:
Hereditary cancer-predisposing syndrome. Also called: Neoplastic Syndromes, Hereditary; Tumor predisposition; Hereditary neoplastic syndrome; Hereditary Cancer Syndrome. Identifiers: Orphanet 140162, MedGen C0027672, MeSH D009386, MONDO:0015356.
Neuroblastoma, susceptibility to, 3. Also called: ALK-Related Neuroblastic Tumor Susceptibility. Identifiers: Orphanet 635, MedGen C2751681, MONDO:0013083, OMIM 613014.

gnomAD v4.1: 1 of 1,614,236 alleles (0.000062%); no homozygotes.

Submissions (2):

Labcorp Genetics (formerly Invitae), Labcorp
Classification: Uncertain significance for Neuroblastoma, susceptibility to, 3. Last evaluated: 2023-12-04. Review status: criteria provided, single submitter. Criteria: Invitae Variant Classification Sherloc (09022015). Collection method: clinical testing. Allele origin: germline.
Comment: This sequence change replaces alanine, which is neutral and non-polar, with glycine, which is neutral and non-polar, at codon 848 of the ALK protein (p.Ala848Gly). This variant is not present in population databases (gnomAD no frequency). This variant has not been reported in the literature in individuals affected with ALK-related conditions. An algorithm developed to predict the effect of missense changes on protein structure and function (PolyPhen-2) suggests that this variant is likely to be disruptive. In summary, the available evidence is currently insufficient to determine the role of this variant in disease. Therefore, it has been classified as a Variant of Uncertain Significance.

Ambry Genetics
Classification: Uncertain significance for Hereditary cancer-predisposing syndrome. Last evaluated: 2023-11-08. Review status: criteria provided, single submitter. Criteria: Ambry Variant Classification Scheme 2023. Collection method: clinical testing. Allele origin: germline.
Comment: The p.A848G variant (also known as c.2543C>G), located in coding exon 15 of the ALK gene, results from a C to G substitution at nucleotide position 2543. The alanine at codon 848 is replaced by glycine, an amino acid with similar properties. This amino acid position is conserved. In addition, this alteration is predicted to be tolerated by in silico analysis. Since supporting evidence is limited at this time, the clinical significance of this alteration remains unclear.